The following is an entry in ClinVar:

ClinVar aggregate classification (germline): Uncertain significance. Review status: criteria provided, multiple submitters, no conflicts (2 of 4 stars). 4 submissions from 4 submitters: Uncertain significance (4). Last evaluated 2025-12-01.

Conditions:
Autoinflammatory syndrome. Identifiers: Orphanet 93665, MedGen C3890737, MONDO:0019751.
STING-associated vasculopathy with onset in infancy. Also called: Sting-associated vasculopathy, infantile-onset. Identifiers: Orphanet 425120, MedGen C4014722, MONDO:0014405, OMIM 615934.

Submissions (4):

CeGaT Center for Human Genetics Tuebingen
Classification: Uncertain significance. Last evaluated: 2025-12-01. Review status: criteria provided, single submitter. Criteria: CeGaT Center For Human Genetics Tuebingen Variant Classification Criteria Version 2. Collection method: clinical testing. Allele origin: germline. Affected: yes. Observed: 1 variant allele.
Comment: STING1: PM2

Labcorp Genetics (formerly Invitae), Labcorp
Classification: Uncertain significance for STING-associated vasculopathy with onset in infancy. Last evaluated: 2025-08-29. Review status: criteria provided, single submitter. Criteria: Invitae Variant Classification Sherloc (09022015). Collection method: clinical testing. Allele origin: germline.
Comment: This sequence change creates a premature translational stop signal (p.Lys338Argfs*9) in the TMEM173 gene. While this is not anticipated to result in nonsense mediated decay, it is expected to disrupt the last 42 amino acid(s) of the TMEM173 protein. This variant is present in population databases (rs765347385, gnomAD 0.02%). This variant has not been reported in the literature in individuals affected with TMEM173-related conditions. ClinVar contains an entry for this variant (Variation ID: 1694173). Experimental studies and prediction algorithms are not available or were not evaluated, and the functional significance of this variant is currently unknown. In summary, the available evidence is currently insufficient to determine the role of this variant in disease. Therefore, it has been classified as a Variant of Uncertain Significance.

Blueprint Genetics
Classification: Uncertain significance. Last evaluated: 2024-11-25. Review status: criteria provided, single submitter. Criteria: ACMG Guidelines, 2015. Collection method: clinical testing. Allele origin: germline.

Genome Diagnostics Laboratory, The Hospital for Sick Children
Classification: Uncertain significance for Autoinflammatory syndrome. Last evaluated: 2017-05-04. Review status: criteria provided, single submitter. Criteria: ACMG Guidelines, 2015. Collection method: clinical testing. Allele origin: germline. Affected: yes.

NM_198282.4(STING1):c.1013del (p.Lys338fs)

Gene: STING1 (stimulator of interferon response cGAMP interactor 1; minus strand). Cytogenetic location: 5q31.2.
Variant type: Deletion.
Coding change: c.1013del on transcript NM_198282.4 (MANE Select); coding-DNA position 1013, one base deleted (A; older notation c.1013delA).
Protein change: p.Lys338fs; shifts the reading frame from lysine 338.
Molecular consequence: frameshift variant.
Genome position (GRCh38, 1-based): chr5:139,476,388, T deleted on the plus strand (A on the coding strand, the reverse complement: STING1 is on the minus strand); the first of 4 consecutive T bases (chr5:139,476,388-139,476,391); deleting any one gives the same sequence. VCF-style (leftmost placement, unchanged base first): chr5-139476387-CT-C. GRCh37 (hg19) VCF-style: chr5-138855972-CT-C.
Other names: c.826del, p.Arg276fs (NM_001301738.2); c.656del, p.Lys219fs (NM_001367258.1); short protein forms K219fs, K338fs, R276fs.
Identifiers: ClinVar variation 1694173 (VCV001694173.14), dbSNP rs765347385, ClinGen allele CA3435247.